The following is an entry in ClinVar:

NM_004104.5(FASN):c.6512A>G (p.Asn2171Ser)

Gene: FASN (fatty acid synthase; minus strand). Cytogenetic location: 17q25.3.
Variant type: single nucleotide variant.
Coding change: c.6512A>G on transcript NM_004104.5 (MANE Select); coding-DNA position 6512, A replaced by G.
Protein change: p.Asn2171Ser; replaces asparagine 2171 with serine.
Molecular consequence: missense variant.
Genome position (GRCh38, 1-based): chr17:82,081,247, T>C on the plus strand (A>G on the coding strand, the complement: FASN is on the minus strand). VCF-style: chr17-82081247-T-C. GRCh37 (hg19) VCF-style: chr17-80039123-T-C.
Other names: short protein forms N2171S.
Identifiers: ClinVar variation 4811906 (VCV004811906.1).
Genomic context (GRCh38, chr17:82,081,247, plus strand): 5'-GACAGCTCCTGCAGTTTCCGGAGCGTGAGTTGCCGCACCTCGCGCACGGACAGCACCAGG[T>C]TGAGCTCACGCTCCAGCGTCTGGCGCACCTCCACGCTCATGAGCGAGTCCAGGCCCAGGT-3'
Protein context (NP_004095.4, residues 2161-2181): EVRQTLEREL[Asn2171Ser]LVLSVREVRQ

ClinVar aggregate classification (germline): Uncertain significance (1 of 4 stars; one submission).

Conditions:
Epileptic encephalopathy. Identifiers: MedGen C0543888, HP:0200134.

Submission:

Labcorp Genetics (formerly Invitae), Labcorp
Classification: Uncertain significance for Epileptic encephalopathy. Last evaluated: 2025-06-22. Review status: criteria provided, single submitter. Criteria: Invitae Variant Classification Sherloc (09022015). Collection method: clinical testing. Allele origin: germline.
Comment: This sequence change replaces asparagine, which is neutral and polar, with serine, which is neutral and polar, at codon 2171 of the FASN protein (p.Asn2171Ser). This variant is not present in population databases (gnomAD no frequency). This variant has not been reported in the literature in individuals affected with FASN-related conditions. An algorithm developed to predict the effect of missense changes on protein structure and function (PolyPhen-2) suggests that this variant is likely to be tolerated. In summary, the available evidence is currently insufficient to determine the role of this variant in disease. Therefore, it has been classified as a Variant of Uncertain Significance.